The following is an entry in ClinVar:

NM_001039591.3(USP9X):c.6183AGT[1] (p.Val2063del)

Gene: USP9X (ubiquitin specific peptidase 9 X-linked; plus strand). Cytogenetic location: Xp11.4.
Variant type: Microsatellite.
Coding change: c.6183AGT[1] on transcript NM_001039591.3 (MANE Select); one copy of the 3-base unit AGT starting at c.6183; the reference has two copies in a row; one copy, 3 bases deleted.
Protein change: p.Val2063del; deletes valine 2063.
Molecular consequence: inframe deletion.
Genome position (GRCh38, 1-based): chrX:41,217,320-41,217,322, AGT deleted; deleting any 3 consecutive bases within chrX:41,217,317-41,217,322 gives the same sequence; the position shown is the placement nearest the transcript's 3' end. VCF-style (leftmost placement, unchanged base first): chrX-41217316-AAGT-A. GRCh37 (hg19) VCF-style: chrX-41076569-AAGT-A.
Other names: c.6183AGT[1], p.Val2063del (NM_001039590.3); c.6198AGT[1], p.Val2068del (NM_001410748.1, NM_001410749.1); short protein forms V2063del, V2068del.
Identifiers: ClinVar variation 2632982 (VCV002632982.1), dbSNP rs2519375555, ClinGen allele CA2695200176.

ClinVar aggregate classification (germline): Likely pathogenic (1 of 4 stars; one submission).

Conditions:
USP9X-related disorder. Also called: USP9X-related condition.

Submission:

PreventionGenetics, part of Exact Sciences
Classification: Likely pathogenic for USP9X-related condition. Last evaluated: 2023-06-28. Review status: criteria provided, single submitter. Criteria: ACMG Guidelines, 2015. Collection method: clinical testing. Allele origin: germline.
Comment: The USP9X c.6186_6188delAGT variant is predicted to result in an in-frame deletion (p.Val2063del). To our knowledge, this variant has not been reported in the literature or in a large population database, indicating this variant is rare. This variant is interpreted as likely pathogenic.